The following is an entry in ClinVar:

ClinVar aggregate classification (germline): Likely benign. Review status: criteria provided, multiple submitters, no conflicts (2 of 4 stars). 2 submissions from 2 submitters: Likely benign (2). Last evaluated 2026-07-01.

Conditions:
Bethlem myopathy 1A. Also called: MYOPATHY, BENIGN CONGENITAL, WITH CONTRACTURES; Bethlem myopathy 1; Bethlem Muscular Dystrophy. Identifiers: Orphanet 610, MedGen CN029274, MONDO:0024530, OMIM 158810.

Allele frequency attached by ClinVar (database versions not stated): TOPMed 0.00002; gnomAD 0.00003; gnomAD exomes 0.00003; ExAC 0.00005.
gnomAD v4.1: 53 of 1,612,756 alleles (0.0033%); highest among the groups gnomAD compares: South Asian, 0.047%; no homozygotes.

Submissions (2):

CeGaT Center for Human Genetics Tuebingen
Classification: Likely benign. Last evaluated: 2026-07-01. Review status: criteria provided, single submitter. Criteria: CeGaT Center For Human Genetics Tuebingen Variant Classification Criteria Version 2. Collection method: clinical testing. Allele origin: germline. Affected: yes. Observed: 1 variant allele.
Comment: COL6A1: BP4, BP7

Labcorp Genetics (formerly Invitae), Labcorp
Classification: Likely benign for Bethlem myopathy 1A. Last evaluated: 2025-12-03. Review status: criteria provided, single submitter. Criteria: Invitae Variant Classification Sherloc (09022015). Collection method: clinical testing. Allele origin: germline.

NM_001848.3(COL6A1):c.1416C>T (p.Ile472=)

Gene: COL6A1 (collagen type VI alpha 1 chain; plus strand). Cytogenetic location: 21q22.3.
Variant type: single nucleotide variant.
Coding change: c.1416C>T on transcript NM_001848.3 (MANE Select); coding-DNA position 1416, C replaced by T.
Protein change: p.Ile472=; no amino-acid change (isoleucine 472 retained).
Molecular consequence: synonymous variant.
Genome position (GRCh38, 1-based): chr21:45,997,438, C>T. VCF-style: chr21-45997438-C-T. GRCh37 (hg19) VCF-style: chr21-47417352-C-T.
Identifiers: ClinVar variation 2069137 (VCV002069137.5), dbSNP rs761232584, ClinGen allele CA10070297.